The following is an entry in ClinVar:

ClinVar aggregate classification (germline): Conflicting classifications of pathogenicity. Review status: criteria provided, conflicting classifications (1 of 4 stars). 5 submissions from 5 submitters: Uncertain significance (3); Likely benign (1). 1 of the submissions does not count toward it. Last evaluated 2025-10-22.

Conditions:
Hereditary cancer-predisposing syndrome. Also called: Tumor predisposition; Neoplastic Syndromes, Hereditary; Hereditary Cancer Syndrome; Hereditary neoplastic syndrome. Identifiers: Orphanet 140162, MedGen C0027672, MeSH D009386, MONDO:0015356.
Hereditary breast ovarian cancer syndrome. Also called: Hereditary breast and ovarian cancer syndrome (HBOC); Hereditary breast and ovarian cancer syndrome; Hereditary breast and ovarian cancer; Hereditary breast and/or ovarian cancer syndrome; Breast and ovarian cancer; BRCA1- and BRCA2-Associated Hereditary Breast and Ovarian Cancer. Identifiers: Orphanet 145, MedGen C0677776, MeSH D061325, MONDO:0003582. Disease mechanism: loss of function.
Breast-ovarian cancer, familial, susceptibility to, 1 (BROVCA1). Also called: OVARIAN CANCER, SUSCEPTIBILITY TO; BRCA1 Hereditary Breast and Ovarian Cancer. Identifiers: Orphanet 145, MedGen C2676676, MONDO:0011450, OMIM 604370. Disease mechanism: loss of function.

Submissions (5):

Ambry Genetics
Classification: Uncertain significance for Hereditary cancer-predisposing syndrome. Last evaluated: 2025-10-22. Review status: criteria provided, single submitter. Criteria: Ambry Variant Classification Scheme 2023. Collection method: clinical testing. Allele origin: germline.
Comment: The p.H437P variant (also known as c.1310A>C), located in coding exon 9 of the BRCA1 gene, results from an A to C substitution at nucleotide position 1310. The histidine at codon 437 is replaced by proline, an amino acid with some similar properties. This amino acid position is poorly conserved in available vertebrate species. In addition, the in silico prediction for this alteration is inconclusive. Since supporting evidence is limited at this time, the clinical significance of this alteration remains unclear.

GeneDx
Classification: Uncertain significance. Last evaluated: 2024-05-21. Review status: criteria provided, single submitter. Criteria: GeneDx Variant Classification Process June 2021. Collection method: clinical testing. Allele origin: germline. Affected: yes.
Comment: Not observed at significant frequency in large population cohorts (gnomAD); In silico analysis supports that this missense variant has a deleterious effect on protein structure/function; Has not been previously published as pathogenic or benign to our knowledge; Also known as 1429A>C; This variant is associated with the following publications: (PMID: 10923033, 31131967, 20215511, 10426999, 9788437, 9582019, 9926942, 15343273)

Labcorp Genetics (formerly Invitae), Labcorp
Classification: Uncertain significance for Hereditary breast ovarian cancer syndrome. Last evaluated: 2023-06-04. Review status: criteria provided, single submitter. Criteria: Invitae Variant Classification Sherloc (09022015). Collection method: clinical testing. Allele origin: germline.
Comment: ClinVar contains an entry for this variant (Variation ID: 54195). This sequence change replaces histidine, which is basic and polar, with proline, which is neutral and non-polar, at codon 437 of the BRCA1 protein (p.His437Pro). This variant is not present in population databases (gnomAD no frequency). This missense change has been observed in individual(s) with clinical features of BRCA1-related conditions (PMID: 10923033). Advanced modeling of protein sequence and biophysical properties (such as structural, functional, and spatial information, amino acid conservation, physicochemical variation, residue mobility, and thermodynamic stability) performed at Invitae indicates that this missense variant is not expected to disrupt BRCA1 protein function. In summary, the available evidence is currently insufficient to determine the role of this variant in disease. Therefore, it has been classified as a Variant of Uncertain Significance.

University of Washington Department of Laboratory Medicine, University of Washington
Classification: Likely benign for Hereditary cancer-predisposing syndrome. Last evaluated: 2023-03-23. Review status: criteria provided, single submitter. Criteria: Dines et al. (Genet Med. 2020). Collection method: curation. Allele origin: germline.
Comment: Missense variant in a coldspot region where missense variants are very unlikely to be pathogenic (PMID:31911673).

BRCA1 coldspot (exon 11 using historical exon numbering). Reclassification based on statistical prior probability

Breast Cancer Information Core (BIC) (BRCA1)
Classification: Uncertain significance for Breast-ovarian cancer, familial 1. Review status: no assertion criteria provided. Collection method: clinical testing. Allele origin: germline. Affected: yes. Observed: 1 variant allele. Not counted in ClinVar's aggregate classification.

Literature cited by the submitters: PubMed 10923033 (cited by Labcorp Genetics (formerly Invitae), Labcorp).

NM_007294.4(BRCA1):c.1310A>C (p.His437Pro)

Gene: BRCA1 (BRCA1 DNA repair associated; minus strand). Cytogenetic location: 17q21.31.
Variant type: single nucleotide variant.
Coding change: c.1310A>C on transcript NM_007294.4 (MANE Select); coding-DNA position 1310, A replaced by C.
Protein change: p.His437Pro; replaces histidine 437 with proline.
Molecular consequence: missense variant. On other transcripts: intron variant (137).
Genome position (GRCh38, 1-based): chr17:43,094,221, T>G on the plus strand (A>C on the coding strand, the complement: BRCA1 is on the minus strand). VCF-style: chr17-43094221-T-G. GRCh37 (hg19) VCF-style: chr17-41246238-T-G.
Other names: c.1310A>C, p.His437Pro (NM_001407624.1, NM_001407625.1, NM_001407626.1 and 30 more transcripts); c.1307A>C, p.His436Pro (NM_001407627.1, NM_001407628.1, NM_001407629.1 and 22 more transcripts); c.1301A>C, p.His434Pro (NM_001407646.1, NM_001407647.1); c.1187A>C, p.His396Pro (NM_001407648.1, NM_001407664.1, NM_001407665.1 and 19 more transcripts); c.1184A>C, p.His395Pro (NM_001407649.1, NM_001407670.1, NM_001407671.1 and 11 more transcripts); c.1232A>C, p.His411Pro (NM_001407653.1, NM_001407654.1, NM_001407655.1 and 4 more transcripts); c.1229A>C, p.His410Pro (NM_001407659.1, NM_001407660.1, NM_001407661.1 and 1 more transcripts); c.1169A>C, p.His390Pro (NM_001407692.1, NM_001407694.1, NM_001407695.1 and 29 more transcripts); and 40 more; short protein forms H437P, H390P, H269P, H370P, H396P, H434P, H141P, H309P.
Identifiers: ClinVar variation 54195 (VCV000054195.20), dbSNP rs80357255, ClinGen allele CA000857.